The following is an entry in ClinVar:

NM_006078.5(CACNG2):c.190T>C (p.Trp64Arg)

Gene: CACNG2 (calcium voltage-gated channel auxiliary subunit gamma 2; minus strand). Cytogenetic location: 22q12.3.
Variant type: single nucleotide variant.
Coding change: c.190T>C on transcript NM_006078.5 (MANE Select); coding-DNA position 190, T replaced by C.
Protein change: p.Trp64Arg; replaces tryptophan 64 with arginine.
Molecular consequence: missense variant. On other transcripts: non-coding transcript variant (1).
Genome position (GRCh38, 1-based): chr22:36,702,387, A>G on the plus strand (T>C on the coding strand, the complement: CACNG2 is on the minus strand). VCF-style: chr22-36702387-A-G. GRCh37 (hg19) VCF-style: chr22-37098432-A-G.
Other names: c.121T>C, p.Trp41Arg (NM_001379051.1); short protein forms W41R, W64R.
Identifiers: ClinVar variation 2692446 (VCV002692446.1), dbSNP rs2517782249, ClinGen allele CA411549831.
Genomic context (GRCh38, chr22:36,702,387, plus strand): 5'-GTGGGGTGGAGAGGGGGGAGGAGATGGGAAGTCAAGTACCTTCTAGGCAGCAGGTTCTCC[A>G]TAATCCGGAATGGGTCATAACTTCCTCGTTCTTTTTGCTGGTTTCATTCTCACTGACACT-3'
Protein context (NP_006069.1, residues 54-74): NEEVMTHSGL[Trp64Arg]RTCCLEGNFK

ClinVar aggregate classification (germline): Uncertain significance (1 of 4 stars; one submission).

Submission:

Greenwood Genetic Center Diagnostic Laboratories, Greenwood Genetic Center
Classification: Uncertain significance. Last evaluated: 2023-11-07. Review status: criteria provided, single submitter. Criteria: ACMG Guidelines, 2015. Collection method: clinical testing. Allele origin: germline. Affected: yes.
Comment: PM2, PP3